The following is an entry in ClinVar:

NM_001366385.1(CARD14):c.2985G>A (p.Lys995=)

Genes: CARD14 (caspase recruitment domain family member 14; plus strand), SGSH (N-sulfoglucosamine sulfohydrolase; minus strand). Cytogenetic location: 17q25.3.
Variant type: single nucleotide variant.
Coding change: c.2985G>A on transcript NM_001366385.1 (MANE Select); coding-DNA position 2985, G replaced by A.
Protein change: p.Lys995=; no amino-acid change (lysine 995 retained).
Molecular consequence: synonymous variant. On other transcripts: non-coding transcript variant (1).
Genome position (GRCh38, 1-based): chr17:80,208,315, G>A. VCF-style: chr17-80208315-G-A. GRCh37 (hg19) VCF-style: chr17-78182114-G-A.
Other names: c.2985G>A, p.Lys995= (NM_024110.4).
Identifiers: ClinVar variation 1694240 (VCV001694240.16), dbSNP rs534581445, ClinGen allele CA294888727.

ClinVar aggregate classification (germline): Conflicting classifications of pathogenicity. Review status: criteria provided, conflicting classifications (1 of 4 stars). 2 submissions from 2 submitters: Uncertain significance (1); Likely benign (1). Last evaluated 2025-02-01.

Conditions:
Autoinflammatory syndrome. Identifiers: Orphanet 93665, MedGen C3890737, MONDO:0019751.

Allele frequency attached by ClinVar (database versions not stated): gnomAD 0.00001; gnomAD exomes 0.00001; 1000 Genomes Project 30x 0.00016; 1000 Genomes Project 0.00020.
gnomAD v4.1: 15 of 1,605,982 alleles (0.00093%); highest among the groups gnomAD compares: South Asian, 0.016%; no homozygotes.

Submissions (2):

CeGaT Center for Human Genetics Tuebingen
Classification: Likely benign. Last evaluated: 2025-02-01. Review status: criteria provided, single submitter. Criteria: CeGaT Center For Human Genetics Tuebingen Variant Classification Criteria Version 2. Collection method: clinical testing. Allele origin: germline. Affected: yes. Observed: 1 variant allele.
Comment: CARD14: BP4, BP7

Genome Diagnostics Laboratory, The Hospital for Sick Children
Classification: Uncertain significance for Autoinflammatory syndrome. Last evaluated: 2020-03-01. Review status: criteria provided, single submitter. Criteria: ACMG Guidelines, 2015. Collection method: clinical testing. Allele origin: germline. Affected: yes.